The following is an entry in ClinVar:

ClinVar aggregate classification (germline): Uncertain significance (1 of 4 stars; one submission).

Conditions:
Familial thoracic aortic aneurysm and aortic dissection (TAAD). Also called: Thoracic aortic aneurysms and dissections. Identifiers: Orphanet 91387, MedGen C4707243, MONDO:0019625.

gnomAD v4.1: 2 of 1,614,116 alleles (0.00012%); highest among the groups gnomAD compares: Non-Finnish European, 0.00017%; no homozygotes.

Submission:

Color Diagnostics, LLC DBA Color Health
Classification: Uncertain significance for Familial thoracic aortic aneurysm and aortic dissection. Last evaluated: 2024-03-06. Review status: criteria provided, single submitter. Criteria: ACMG Guidelines, 2015. Collection method: clinical testing. Allele origin: germline.
Comment: This missense variant replaces lysine with asparagine at codon 1291 of the COL3A1 protein. Computational prediction suggests that this variant may not impact protein structure and function (internally defined REVEL score threshold <= 0.5, PMID: 27666373). To our knowledge, functional studies have not been reported for this variant. This variant has not been reported in individuals affected with cardiovascular disorders in the literature. This variant has not been identified in the general population by the Genome Aggregation Database (gnomAD). The available evidence is insufficient to determine the role of this variant in disease conclusively. Therefore, this variant is classified as a Variant of Uncertain Significance.

NM_000090.4(COL3A1):c.3873G>C (p.Lys1291Asn)

Gene: COL3A1 (collagen type III alpha 1 chain; plus strand). Cytogenetic location: 2q32.2.
Variant type: single nucleotide variant.
Coding change: c.3873G>C on transcript NM_000090.4 (MANE Select); coding-DNA position 3873, G replaced by C.
Protein change: p.Lys1291Asn; replaces lysine 1291 with asparagine.
Molecular consequence: missense variant.
Genome position (GRCh38, 1-based): chr2:189,010,227, G>C. VCF-style: chr2-189010227-G-C. GRCh37 (hg19) VCF-style: chr2-189874953-G-C.
Other names: short protein forms K1291N.
Identifiers: ClinVar variation 2775160 (VCV002775160.2), dbSNP rs1688690801, ClinGen allele CA349848539.